The following is an entry in ClinVar:

ClinVar aggregate classification (germline): Uncertain significance (1 of 4 stars; one submission).

Conditions:
Early-infantile DEE. Also called: Early infantile epileptic encephalopathy; Ohtahara syndrome; Early infantile epileptic encephalopathy with suppression bursts. Identifiers: Orphanet 1934, MedGen C0393706, MONDO:0800491.

Submission:

Labcorp Genetics (formerly Invitae), Labcorp
Classification: Uncertain significance for Early-infantile DEE. Last evaluated: 2024-09-12. Review status: criteria provided, single submitter. Criteria: Invitae Variant Classification Sherloc (09022015). Collection method: clinical testing. Allele origin: germline.
Comment: This sequence change replaces glycine, which is neutral and non-polar, with arginine, which is basic and polar, at codon 348 of the SCN1A protein (p.Gly348Arg). This variant is not present in population databases (gnomAD no frequency). This variant has not been reported in the literature in individuals affected with SCN1A-related conditions. Invitae Evidence Modeling of protein sequence and biophysical properties (such as structural, functional, and spatial information, amino acid conservation, physicochemical variation, residue mobility, and thermodynamic stability) indicates that this missense variant is expected to disrupt SCN1A protein function with a positive predictive value of 95%. In summary, the available evidence is currently insufficient to determine the role of this variant in disease. Therefore, it has been classified as a Variant of Uncertain Significance.

NM_001165963.4(SCN1A):c.1042G>A (p.Gly348Arg)

Gene: SCN1A (sodium voltage-gated channel alpha subunit 1; minus strand). Cytogenetic location: 2q24.3.
Variant type: single nucleotide variant.
Coding change: c.1042G>A on transcript NM_001165963.4 (MANE Select); coding-DNA position 1042, G replaced by A.
Protein change: p.Gly348Arg; replaces glycine 348 with arginine.
Molecular consequence: missense variant. On other transcripts: 5 prime UTR variant (1), non-coding transcript variant (1).
Genome position (GRCh38, 1-based): chr2:166,047,755, C>T on the plus strand (G>A on the coding strand, the complement: SCN1A is on the minus strand). VCF-style: chr2-166047755-C-T. GRCh37 (hg19) VCF-style: chr2-166904265-C-T.
Other names: c.1042G>A, p.Gly348Arg (NM_001165964.3, NM_001202435.3, NM_001353948.2 and 10 more transcripts); c.-1384G>A (NM_001353961.2); short protein forms G348R.
Identifiers: ClinVar variation 3634060 (VCV003634060.2).